The following is an entry in ClinVar:

NM_000059.4(BRCA2):c.5439del (p.Leu1813_Val1814insTer)

Gene: BRCA2 (BRCA2 DNA repair associated; plus strand). Cytogenetic location: 13q13.1.
Variant type: Deletion.
Coding change: c.5439del on transcript NM_000059.4 (MANE Select); coding-DNA position 5439, one base deleted (T; older notation c.5439delT).
Protein change: p.Leu1813_Val1814insTer.
Molecular consequence: frameshift variant.
Genome position (GRCh38, 1-based): chr13:32,339,794, T deleted; the last of 2 consecutive T bases (chr13:32,339,793-32,339,794); deleting either gives the same sequence. VCF-style (leftmost placement, unchanged base first): chr13-32339792-CT-C. GRCh37 (hg19) VCF-style: chr13-32913929-CT-C.
Other names: c.5438delT (NM_000059.3); c.5439delT (NM_000059.3).
Identifiers: ClinVar variation 51863 (VCV000051863.14), dbSNP rs397507785, ClinGen allele CA022334.

ClinVar aggregate classification (germline): Pathogenic. Review status: reviewed by expert panel (3 of 4 stars). 4 submissions from 4 submitters: Pathogenic (1). 3 of the submissions do not count toward it. Last evaluated 2016-09-08.

Conditions:
Hereditary breast ovarian cancer syndrome. Also called: Breast and ovarian cancer; BRCA1- and BRCA2-Associated Hereditary Breast and Ovarian Cancer; Hereditary breast and ovarian cancer syndrome (HBOC); Hereditary breast and/or ovarian cancer syndrome; Hereditary breast and ovarian cancer; Hereditary breast and ovarian cancer syndrome. Identifiers: Orphanet 145, MedGen C0677776, MeSH D061325, MONDO:0003582. Disease mechanism: loss of function.
Breast-ovarian cancer, familial, susceptibility to, 2 (BROVCA2). Also called: BRCA2 Hereditary Breast and Ovarian Cancer. Identifiers: Orphanet 145, MedGen C2675520, MONDO:0012933, OMIM 612555. Disease mechanism: loss of function.

Submissions (4):

Evidence-based Network for the Interpretation of Germline Mutant Alleles (ENIGMA)
Classification: Pathogenic for Breast-ovarian cancer, familial, susceptibility to, 2. Last evaluated: 2016-09-08. Review status: reviewed by expert panel. Criteria: ENIGMA BRCA1/2 Classification Criteria (2015). Collection method: curation. Allele origin: germline.
Comment: Variant allele predicted to encode a truncated non-functional protein.

Labcorp Genetics (formerly Invitae), Labcorp
Classification: Pathogenic for Hereditary breast ovarian cancer syndrome. Last evaluated: 2025-08-07. Review status: criteria provided, single submitter. Criteria: Invitae Variant Classification Sherloc (09022015). Collection method: clinical testing. Allele origin: germline. Not counted in ClinVar's aggregate classification.
Comment: This sequence change creates a premature translational stop signal (p.Val1814*) in the BRCA2 gene. It is expected to result in an absent or disrupted protein product. Loss-of-function variants in BRCA2 are known to be pathogenic (PMID: 20104584). This variant is not present in population databases (gnomAD no frequency). This premature translational stop signal has been observed in individual(s) with breast cancer (PMID: 16616110). ClinVar contains an entry for this variant (Variation ID: 51863). For these reasons, this variant has been classified as Pathogenic.

Dasa
Classification: Pathogenic for Breast-ovarian cancer, familial, susceptibility to, 2. Last evaluated: 2025-06-10. Review status: criteria provided, single submitter. Criteria: DASA Assertion Criteria. Collection method: clinical testing. Allele origin: germline. Not counted in ClinVar's aggregate classification.
Comment: NM_000059.4(BRCA2):c.5439del (p.Val1814*) is a frameshift variant in BRCA2 predicted to alter the reading frame and introduce a premature termination codon and is predicted to result in an absent or altered protein product. Loss of function is an established disease mechanism for BRCA2 (PMID: 16199546; PMID: 17063271; PMID: 25632310). The affected residue or protein region has prior evidence supporting clinical relevance. Also, this variant is absent from population databases. Based on the currently available evidence, this variant is classified as pathogenic.

Women's Health and Genetics/Laboratory Corporation of America, LabCorp
Classification: Pathogenic for Hereditary breast ovarian cancer syndrome. Last evaluated: 2016-09-15. Review status: criteria provided, single submitter. Criteria: LabCorp Variant Classification Summary - May 2015. Collection method: clinical testing. Allele origin: germline. Not counted in ClinVar's aggregate classification.
Comment: Variant summary: The BRCA2 c.5439delT (p.Val1814fsX1) variant results in a premature termination codon, predicted to cause a truncated or absent BRCA2 protein due to nonsense mediated decay, which are commonly known mechanisms for disease. Truncations downstream of this position have been classified as pathogenic by our laboratory (e.g. c.5542delA, p.Ser1848fsX15; c.5576_5579delTTAA, p.Ile1859fsX3; c.5645C>A, p.Ser1882X). One in silico tool predicts a damaging outcome for this variant. This variant is absent in 121164 control chromosomes. The variant has been reported in an affected individual in the literature and multiple clinical diagnostic laboratories/reputable databases classified this variant as pathogenic. Taken together, this variant is classified as pathogenic.

Literature cited by the submitters: PubMed 20104584 (cited by Labcorp Genetics (formerly Invitae), Labcorp); PubMed 16616110 (cited by Labcorp Genetics (formerly Invitae), Labcorp and Women's Health and Genetics/Laboratory Corporation of America, LabCorp); PubMed 16199546 (cited by Dasa); PubMed 17063271 (cited by Dasa); PubMed 25632310 (cited by Dasa); PubMed 22923021 (cited by Women's Health and Genetics/Laboratory Corporation of America, LabCorp); PubMed 20859677 (cited by Women's Health and Genetics/Laboratory Corporation of America, LabCorp).